The following is an entry in ClinVar:

ClinVar aggregate classification (germline): Uncertain significance (1 of 4 stars; one submission).

gnomAD v4.1: 2 of 1,613,956 alleles (0.00012%); highest among the groups gnomAD compares: East Asian, 0.0022%; no homozygotes.

Submission:

Labcorp Genetics (formerly Invitae), Labcorp
Classification: Uncertain significance. Last evaluated: 2022-08-23. Review status: criteria provided, single submitter. Criteria: Invitae Variant Classification Sherloc (09022015). Collection method: clinical testing. Allele origin: germline.
Comment: Algorithms developed to predict the effect of sequence changes on RNA splicing suggest that this variant may create or strengthen a splice site. Advanced modeling of protein sequence and biophysical properties (such as structural, functional, and spatial information, amino acid conservation, physicochemical variation, residue mobility, and thermodynamic stability) performed at Invitae indicates that this missense variant is not expected to disrupt FAT4 protein function. ClinVar contains an entry for this variant (Variation ID: 1398627). This variant has not been reported in the literature in individuals affected with FAT4-related conditions. This variant is present in population databases (no rsID available, gnomAD 0.003%). This sequence change replaces arginine, which is basic and polar, with serine, which is neutral and polar, at codon 178 of the FAT4 protein (p.Arg178Ser). In summary, the available evidence is currently insufficient to determine the role of this variant in disease. Therefore, it has been classified as a Variant of Uncertain Significance.

NM_001291303.3(FAT4):c.532C>A (p.Arg178Ser)

Gene: FAT4 (FAT atypical cadherin 4; plus strand). Cytogenetic location: 4q28.1.
Variant type: single nucleotide variant.
Coding change: c.532C>A on transcript NM_001291303.3 (MANE Select); coding-DNA position 532, C replaced by A.
Protein change: p.Arg178Ser; replaces arginine 178 with serine.
Molecular consequence: missense variant.
Genome position (GRCh38, 1-based): chr4:125,316,943, C>A. VCF-style: chr4-125316943-C-A. GRCh37 (hg19) VCF-style: chr4-126238098-C-A.
Other names: c.532C>A, p.Arg178Ser (NM_001291285.3, NM_024582.6); short protein forms R178S.
Identifiers: ClinVar variation 1398627 (VCV001398627.8), dbSNP rs201952959, ClinGen allele CA358115999.
Genomic context (GRCh38, chr4:125,316,943, plus strand): 5'-ACCGCCACCGACTCGGACATCGGCTCAAACGGTGTGGACCACCGCTCCTACCGCATCATC[C>A]GCGGCAATGAGGCGGGGCGCTTCCGTCTGGACATCACCCTGAACCCGAGCGGCGAGGGAG-3'
Protein context (NP_001278232.1, residues 168-188): GVDHRSYRII[Arg178Ser]GNEAGRFRLD